The following is an entry in ClinVar:

NM_130839.5(UBE3A):c.337_340del (p.Lys113fs)

Genes: SNHG14 (small nucleolar RNA host gene 14; plus strand), UBE3A (ubiquitin protein ligase E3A; minus strand). Cytogenetic location: 15q11.2.
Variant type: Deletion.
Coding change: c.337_340del on transcript NM_130839.5 (MANE Select); coding-DNA positions 337 to 340, 4 bases deleted (AAAG; older notation c.337_340delAAAG).
Protein change: p.Lys113fs; shifts the reading frame from lysine 113.
Molecular consequence: frameshift variant. On other transcripts: non-coding transcript variant (1).
Genome position (GRCh38, 1-based): chr15:25,375,486-25,375,489, CTTT deleted on the plus strand (AAAG on the coding strand, the reverse complement: UBE3A is on the minus strand); deleting any 4 consecutive bases within chr15:25,375,486-25,375,492 gives the same sequence; the c. name uses the placement nearest the transcript's 3' end. VCF-style (leftmost placement, unchanged base first): chr15-25375485-CCTTT-C. GRCh37 (hg19) VCF-style: chr15-25620632-CCTTT-C.
Other names: c.346_349del, p.Lys116fs (NM_000462.5); c.337_340del, p.Lys113fs (NM_001354505.1, NM_001354538.2, NM_001354545.2 and 1 more transcripts); c.277_280del, p.Lys93fs (NM_001354506.2, NM_001354507.2, NM_001354508.2 and 18 more transcripts); c.160_163del, p.Lys54fs (NM_001354546.2); short protein forms K93fs, K113fs, K116fs, K54fs.
Identifiers: ClinVar variation 136191 (VCV000136191.1), dbSNP rs587780569, ClinGen allele CA333460.

ClinVar aggregate classification (germline): Pathogenic (0 of 4 stars; one submission).

Conditions:
Angelman syndrome (AS). Also called: HAPPY PUPPET SYNDROME. Identifiers: Orphanet 72, MedGen C0162635, MONDO:0007113, OMIM 105830. Disease mechanism: loss of function. Inheritance: AS is caused by disruption of maternally imprinted UBE3A located within the 15q11.2-q13 Angelman syndrome/Prader-Willi syndrome (AS/PWS) region., imprinting disorder.

Submission:

Baylor Genetics
Classification: Pathogenic for Angelman Syndrome. Last evaluated: 2014-02-14. Review status: no assertion criteria provided. Collection method: clinical testing. Allele origin: germline. Affected: yes. Observed: 1 variant allele. Study: UBE3A Mutation Study.
Comment: Data collected from clinical UBE3A sequence analysis results

Literature cited by the submitters: PubMed 25212744.